The following is an entry in ClinVar:

NM_007294.4(BRCA1):c.5052T>G (p.Thr1684=)

Gene: BRCA1 (BRCA1 DNA repair associated; minus strand). Cytogenetic location: 17q21.31.
Variant type: single nucleotide variant.
Coding change: c.5052T>G on transcript NM_007294.4 (MANE Select); coding-DNA position 5052, T replaced by G.
Protein change: p.Thr1684=; no amino-acid change (threonine 1684 retained).
Molecular consequence: synonymous variant. On other transcripts: intron variant (1).
Genome position (GRCh38, 1-based): chr17:43,067,630, A>C on the plus strand (T>G on the coding strand, the complement: BRCA1 is on the minus strand). VCF-style: chr17-43067630-A-C. GRCh37 (hg19) VCF-style: chr17-41219647-A-C.
Other names: c.4929T>G, p.Thr1643= (NM_001407667.1, NM_001407668.1, NM_001407669.1 and 6 more transcripts); c.4926T>G, p.Thr1642= (NM_001407670.1, NM_001407671.1, NM_001407672.1 and 11 more transcripts); c.4923T>G, p.Thr1641= (NM_001407681.1, NM_001407682.1, NM_001407683.1 and 6 more transcripts); c.5052T>G, p.Thr1684= (NM_001407684.1, NM_001407854.1, NM_001407593.1 and 8 more transcripts); c.4920T>G, p.Thr1640= (NM_001407690.1, NM_001407691.1); c.4911T>G, p.Thr1637= (NM_001407692.1, NM_001407694.1, NM_001407695.1 and 13 more transcripts); c.4908T>G, p.Thr1636= (NM_001407732.1, NM_001407733.1, NM_001407734.1 and 21 more transcripts); c.4905T>G, p.Thr1635= (NM_001407838.1, NM_001407839.1, NM_001407841.1 and 12 more transcripts); and 71 more.
Identifiers: ClinVar variation 743279 (VCV000743279.13), dbSNP rs760922019, ClinGen allele CA500146323.

ClinVar aggregate classification (germline): Likely benign (1 of 4 stars; one submission).

Conditions:
Hereditary breast ovarian cancer syndrome. Also called: BRCA1- and BRCA2-Associated Hereditary Breast and Ovarian Cancer; Hereditary breast and ovarian cancer syndrome (HBOC); Hereditary breast and ovarian cancer syndrome; Breast and ovarian cancer; Hereditary breast and ovarian cancer; Hereditary breast and/or ovarian cancer syndrome. Identifiers: Orphanet 145, MedGen C0677776, MeSH D061325, MONDO:0003582. Disease mechanism: loss of function.

gnomAD v4.1: 2 of 1,612,406 alleles (0.00012%); highest among the groups gnomAD compares: South Asian, 0.0022%; no homozygotes.

Submissions (2):

Labcorp Genetics (formerly Invitae), Labcorp
Classification: Likely benign for Hereditary breast ovarian cancer syndrome. Last evaluated: 2024-06-29. Review status: criteria provided, single submitter. Criteria: Invitae Variant Classification Sherloc (09022015). Collection method: clinical testing. Allele origin: germline.

Brotman Baty Institute, University of Washington
No classification provided (evidence only). Condition: Breast-ovarian cancer, familial 1. Review status: no classification provided. Collection method: in vitro. Allele origin: not applicable. Functional consequence: functionally_normal. Not counted in ClinVar's aggregate classification.
ClinVar note: "not provided" was previously submitted as the classification for the variant. However, the classification appeared to be based only on an observation of functional data so it was converted to no classification on 2025-07-30.